The following is an entry in ClinVar:

NM_002439.5(MSH3):c.2475_2476delinsAT (p.His826Tyr)

Gene: MSH3 (mutS homolog 3; plus strand). Cytogenetic location: 5q14.1.
Variant type: Indel.
Coding change: c.2475_2476delinsAT on transcript NM_002439.5 (MANE Select); coding-DNA positions 2475 to 2476, GC replaced by AT.
Protein change: p.His826Tyr; replaces histidine 826 with tyrosine.
Molecular consequence: missense variant.
Genome position (GRCh38, 1-based): chr5:80,787,604-80,787,605, GC replaced by AT. VCF-style: chr5-80787604-GC-AT. GRCh37 (hg19) VCF-style: chr5-80083423-GC-AT.
Other names: short protein forms H826Y.
Identifiers: ClinVar variation 1466004 (VCV001466004.6), dbSNP rs2112020253, ClinGen allele CA2573139885.
Genomic context (GRCh38, chr5:80,787,604, plus strand): 5'-TTGTTGCTGCTGCTTCCGTAGGAAATTCAGTGAACATTATCACTCCTTGTGTAAAGCAGT[GC>AT]ATCACCTAGCAACTGTTGACTGCATTTTCTCCCTGGCCAAGGTCGCTAAGCAAGGAGATT-3'
Protein context (NP_002430.3, residues 816-836): EHYHSLCKAV[His826Tyr]HLATVDCIFS

ClinVar aggregate classification (germline): Uncertain significance (1 of 4 stars; one submission).

Submission:

Labcorp Genetics (formerly Invitae), Labcorp
Classification: Uncertain significance. Last evaluated: 2021-01-30. Review status: criteria provided, single submitter. Criteria: Invitae Variant Classification Sherloc (09022015). Collection method: clinical testing. Allele origin: germline.
Comment: This sequence change replaces histidine with tyrosine at codon 826 of the MSH3 protein (p.His826Tyr). The histidine residue is weakly conserved and there is a moderate physicochemical difference between histidine and tyrosine. The frequency data for this variant in the population databases is not available, as this variant may be reported as separate entries in the ExAC database. This variant has not been reported in the literature in individuals with MSH3-related conditions. Experimental studies and prediction algorithms are not available or were not evaluated, and the functional significance of this variant is currently unknown. In summary, the available evidence is currently insufficient to determine the role of this variant in disease. Therefore, it has been classified as a Variant of Uncertain Significance.